The following is an entry in ClinVar:

ClinVar aggregate classification (germline): Uncertain significance. Review status: criteria provided, multiple submitters, no conflicts (2 of 4 stars). 2 submissions from 2 submitters: Uncertain significance (2). Last evaluated 2023-03-01.

Conditions:
Arthrogryposis, distal, type 1A. Also called: ARTHROGRYPOSIS MULTIPLEX CONGENITA, DISTAL, TYPE I. Identifiers: Orphanet 1146, MedGen C6022280, MONDO:0007157, OMIM 108120.
Congenital myopathy 23 (CMYO23). Also called: CAP MYOPATHY 2; Nemaline myopathy 4, autosomal dominant; NEMALINE MYOPATHY 4. Identifiers: MedGen C1836447, MONDO:0012240, OMIM 609285.

Allele frequency attached by ClinVar (database versions not stated): gnomAD exomes 0.00001; ExAC 0.00002.

Submissions (3):

CeGaT Center for Human Genetics Tuebingen
Classification: Uncertain significance. Last evaluated: 2023-03-01. Review status: criteria provided, single submitter. Criteria: CeGaT Center For Human Genetics Tuebingen Variant Classification Criteria Version 2. Collection method: clinical testing. Allele origin: germline. Affected: yes. Observed: 1 variant allele.
Comment: TPM2: PP3

Department of Pathology and Laboratory Medicine, Sinai Health System
Classification: Uncertain significance for Arthrogryposis, distal, type 1A; Congenital myopathy 23. Last evaluated: 2020-06-12. Review status: criteria provided, single submitter. Criteria: ACMG Guidelines, 2015. Collection method: research. Allele origin: germline.

Dr. Peter K. Rogan Lab, Western University
No classification provided (evidence only). Condition: Gastric cancer. Review status: no classification provided. Collection method: in vitro. Allele origin: not applicable. Functional consequence: retained intron. Not counted in ClinVar's aggregate classification.

NM_003289.4(TPM2):c.632C>T (p.Ala211Val)

Gene: TPM2 (tropomyosin 2; minus strand). Cytogenetic location: 9p13.3.
Variant type: single nucleotide variant.
Coding change: c.632C>T on transcript NM_003289.4 (MANE Select); coding-DNA position 632, C replaced by T.
Protein change: p.Ala211Val; replaces alanine 211 with valine.
Molecular consequence: missense variant. On other transcripts: intron variant (2).
Genome position (GRCh38, 1-based): chr9:35,684,739, G>A on the plus strand (C>T on the coding strand, the complement: TPM2 is on the minus strand). VCF-style: chr9-35684739-G-A. GRCh37 (hg19) VCF-style: chr9-35684736-G-A.
Other names: NC_000009.11:g.35684736G>A; c.632C>T, p.Ala211Val (NM_001301226.2); c.640-189C>T (NM_213674.1, NM_001301227.2); short protein forms A211V.
Identifiers: ClinVar variation 2659179 (VCV002659179.26), dbSNP rs778874374, ClinGen allele CA5047233.